The following is an entry in ClinVar:

NM_000238.4(KCNH2):c.*112C>T

Gene: KCNH2 (potassium voltage-gated channel subfamily H member 2; minus strand). Cytogenetic location: 7q36.1.
Variant type: single nucleotide variant.
Coding change: c.*112C>T on transcript NM_000238.4 (MANE Select); 112 bases downstream of the stop codon, C replaced by T.
Molecular consequence: 3 prime UTR variant.
Genome position (GRCh38, 1-based): chr7:150,945,253, G>A on the plus strand (C>T on the coding strand, the complement: KCNH2 is on the minus strand). VCF-style: chr7-150945253-G-A. GRCh37 (hg19) VCF-style: chr7-150642341-G-A.
Other names: c.*112C>T (NM_172057.3).
Identifiers: ClinVar variation 359299 (VCV000359299.8), dbSNP rs28763994, ClinGen allele CA10628553.
Genomic context (GRCh38, chr7:150,945,253, plus strand): 5'-GGGGCCCAGGGGACTGCAGGAGAAGATGGTCCCAAGGGCTGGGGGAGGAGCTGTGCTTTC[G>A]AGTTCCTCTCCCCTTCCACGGTCAGGGCCTCCTGAGCAGGGCCTCCAAGGGGAGCGGCCC-3'

ClinVar aggregate classification (germline): Likely benign. Review status: criteria provided, multiple submitters, no conflicts (2 of 4 stars). 2 submissions from 2 submitters: Likely benign (2). Last evaluated 2018-06-26.

Conditions:
Long QT syndrome 2 (LQT2). Identifiers: Orphanet 101016, Orphanet 768, MedGen C3150943, MONDO:0013367, OMIM 613688.

Allele frequency attached by ClinVar (database versions not stated): gnomAD 0.01503 and 0.01622; TOPMed 0.01565; 1000 Genomes Project 0.01877; 1000 Genomes Project 30x 0.02030.

Submissions (2):

GeneDx
Classification: Likely benign. Last evaluated: 2018-06-26. Review status: criteria provided, single submitter. Criteria: GeneDx Variant Classification Process June 2021. Collection method: clinical testing. Allele origin: germline. Affected: yes.

Illumina Laboratory Services, Illumina
Classification: Likely benign for Long QT syndrome 2. Last evaluated: 2018-01-29. Review status: criteria provided, single submitter. Criteria: ICSL Variant Classification Criteria 13 December 2019. Collection method: clinical testing. Allele origin: germline.
Comment: This variant was observed as part of a predisposition screen in an ostensibly healthy population. A literature search was performed for the gene, cDNA change, and amino acid change (where applicable). No publications were found based on this search. Allele frequency data from public databases allowed determination this variant is unlikely to cause disease. Therefore, this variant is classified as likely benign.